The following is an entry in ClinVar:

ClinVar aggregate classification (germline): Uncertain significance (1 of 4 stars; one submission).

Submission:

GeneDx
Classification: Uncertain significance. Last evaluated: 2025-01-08. Review status: criteria provided, single submitter. Criteria: GeneDx Variant Classification Process June 2021. Collection method: clinical testing. Allele origin: germline. Affected: yes.
Comment: Not observed at significant frequency in large population cohorts (gnomAD); In silico analysis supports that this missense variant has a deleterious effect on protein structure/function; Has not been previously published as pathogenic or benign to our knowledge

NM_001012614.2(CTBP1):c.78C>G (p.Asp26Glu)

Gene: CTBP1 (C-terminal binding protein 1; minus strand). Cytogenetic location: 4p16.3.
Variant type: single nucleotide variant.
Coding change: c.78C>G on transcript NM_001012614.2 (MANE Select); coding-DNA position 78, C replaced by G.
Protein change: p.Asp26Glu; replaces aspartic acid 26 with glutamic acid.
Molecular consequence: missense variant.
Genome position (GRCh38, 1-based): chr4:1,238,267, G>C on the plus strand (C>G on the coding strand, the complement: CTBP1 is on the minus strand). VCF-style: chr4-1238267-G-C. GRCh37 (hg19) VCF-style: chr4-1232055-G-C.
Other names: c.111C>G, p.Asp37Glu (NM_001328.3, NM_001377186.1); c.78C>G, p.Asp26Glu (NM_001377187.1, NM_001377188.1, NM_001377189.1 and 4 more transcripts); short protein forms D26E, D37E.
Identifiers: ClinVar variation 4057092 (VCV004057092.1).
Genomic context (GRCh38, chr4:1,238,267, plus strand): 5'-CTGCGCGTCGCAGAAGGCCACAGTGGCCACGTCCTTCAGGATGGGCATCTCCACTGTGCA[G>C]TCCCGGCCATCCAGCAATGCCACCAGGGGCCGCGGGTGCAGGGGCCCGTTCATGATCGGA-3'
Protein context (NP_001012632.1, residues 16-36): RPLVALLDGR[Asp26Glu]CTVEMPILKD